The following is an entry in ClinVar:

NM_000155.4(GALT):c.1034C>A (p.Ala345Asp)

Gene: GALT (galactose-1-phosphate uridylyltransferase; plus strand). Cytogenetic location: 9p13.3.
Variant type: single nucleotide variant.
Coding change: c.1034C>A on transcript NM_000155.4 (MANE Select); coding-DNA position 1034, C replaced by A.
Protein change: p.Ala345Asp; replaces alanine 345 with aspartic acid.
Molecular consequence: missense variant.
Genome position (GRCh38, 1-based): chr9:34,649,539, C>A. VCF-style: chr9-34649539-C-A. GRCh37 (hg19) VCF-style: chr9-34649536-C-A.
Other names: c.707C>A, p.Ala236Asp (NM_001258332.2); short protein forms A236D.
Identifiers: ClinVar variation 1505795 (VCV001505795.7), dbSNP rs111033815, ClinGen allele CA259573.

ClinVar aggregate classification (germline): Uncertain significance. Review status: criteria provided, multiple submitters, no conflicts (2 of 4 stars). 2 submissions from 2 submitters: Uncertain significance (2). Last evaluated 2024-08-28.

Conditions:
Deficiency of UDPglucose-hexose-1-phosphate uridylyltransferase. Also called: Transferase Deficiency Galactosemia; GALACTOSE-1-PHOSPHATE URIDYLYLTRANSFERASE DEFICIENCY; GALT deficiency; Galactosemia, classic; GALACTOSEMIA I. Identifiers: Orphanet 352, Orphanet 79239, MedGen C0268151, MONDO:0009258, OMIM 230400.

Allele frequency attached by ClinVar (database versions not stated): TOPMed below 0.00001; gnomAD 0.00001.
gnomAD v4.1: 4 of 1,614,082 alleles (0.00025%); highest among the groups gnomAD compares: East Asian, 0.0089%; no homozygotes.

Submissions (2):

Labcorp Genetics (formerly Invitae), Labcorp
Classification: Uncertain significance for Deficiency of UDPglucose-hexose-1-phosphate uridylyltransferase. Last evaluated: 2024-08-28. Review status: criteria provided, single submitter. Criteria: Invitae Variant Classification Sherloc (09022015). Collection method: clinical testing. Allele origin: germline.
Comment: This sequence change replaces alanine, which is neutral and non-polar, with aspartic acid, which is acidic and polar, at codon 345 of the GALT protein (p.Ala345Asp). This variant is present in population databases (rs111033815, gnomAD 0.02%). This missense change has been observed in individual(s) with a positive newborn screening result for GALT-related disease (PMID: 11754113). ClinVar contains an entry for this variant (Variation ID: 1505795). Invitae Evidence Modeling of protein sequence and biophysical properties (such as structural, functional, and spatial information, amino acid conservation, physicochemical variation, residue mobility, and thermodynamic stability) indicates that this missense variant is expected to disrupt GALT protein function with a positive predictive value of 80%. In summary, the available evidence is currently insufficient to determine the role of this variant in disease. Therefore, it has been classified as a Variant of Uncertain Significance.

Fulgent Genetics
Classification: Uncertain significance for Deficiency of UDPglucose-hexose-1-phosphate uridylyltransferase. Last evaluated: 2021-08-11. Review status: criteria provided, single submitter. Criteria: ACMG Guidelines, 2015. Collection method: clinical testing. Allele origin: unknown.

Literature cited by the submitters: PubMed 11754113 (cited by Labcorp Genetics (formerly Invitae), Labcorp).